The following is an entry in ClinVar:

NM_002335.4(LRP5):c.910_911delinsAA (p.Gly304Asn)

Gene: LRP5 (LDL receptor related protein 5; plus strand). Cytogenetic location: 11q13.2.
Variant type: Indel.
Coding change: c.910_911delinsAA on transcript NM_002335.4 (MANE Select); coding-DNA positions 910 to 911, GG replaced by AA.
Protein change: p.Gly304Asn; replaces glycine 304 with asparagine.
Molecular consequence: missense variant. On other transcripts: 5 prime UTR variant (1).
Genome position (GRCh38, 1-based): chr11:68,365,597-68,365,598, GG replaced by AA. VCF-style: chr11-68365597-GG-AA. GRCh37 (hg19) VCF-style: chr11-68133065-GG-AA.
Other names: c.-856_-855delinsAA (NM_001291902.2); short protein forms G304N.
Identifiers: ClinVar variation 2862389 (VCV002862389.3), dbSNP rs2496481969, ClinGen allele CA2739270614.

ClinVar aggregate classification (germline): Uncertain significance (1 of 4 stars; one submission).

Submission:

Labcorp Genetics (formerly Invitae), Labcorp
Classification: Uncertain significance. Last evaluated: 2023-05-06. Review status: criteria provided, single submitter. Criteria: Invitae Variant Classification Sherloc (09022015). Collection method: clinical testing. Allele origin: germline.
Comment: In summary, the available evidence is currently insufficient to determine the role of this variant in disease. Therefore, it has been classified as a Variant of Uncertain Significance. An algorithm developed to predict the effect of missense changes on protein structure and function (PolyPhen-2) suggests that this variant is likely to be disruptive. This variant has not been reported in the literature in individuals affected with LRP5-related conditions. Information on the frequency of this variant in the gnomAD database is not available, as this variant may be reported differently in the database. This sequence change replaces glycine, which is neutral and non-polar, with asparagine, which is neutral and polar, at codon 304 of the LRP5 protein (p.Gly304Asn).